The following is an entry in ClinVar:

ClinVar aggregate classification (germline): Uncertain significance (1 of 4 stars; one submission).

Conditions:
Neuronopathy, distal hereditary motor, type 9. Also called: NEURONOPATHY, DISTAL HEREDITARY MOTOR, AUTOSOMAL DOMINANT 9; NEURONOPATHY, DISTAL HEREDITARY MOTOR, TYPE IX; NEUROPATHY, DISTAL HEREDITARY MOTOR, TYPE IX. Identifiers: MedGen C4540265, MONDO:0060585, OMIM 617721.

Submission:

Center for Human Genetics and Genomic Medicine, Uniklinik Rwth Aachen
Classification: Uncertain significance for Neuronopathy, distal hereditary motor, type 9. Last evaluated: 2021-07-12. Review status: criteria provided, single submitter. Criteria: ACMG Guidelines, 2015. Collection method: clinical testing. Allele origin: germline. Inheritance: Autosomal dominant inheritance. Affected: yes. Observed: 1 variant allele, 1 heterozygote.
Comment: The variant c.964G>A, p.(Asp322Asn) is absent from databases and has not been reported in the literature. It is a highly conserved amino acid and if pathogenic, it might explain our patient's phenotype. However, the data is not sufficient and we have classified the variant as a "Variant of uncertain significance".

NM_004184.4(WARS1):c.964G>A (p.Asp322Asn)

Gene: WARS1 (tryptophanyl-tRNA synthetase 1; minus strand). Cytogenetic location: 14q32.2.
Variant type: single nucleotide variant.
Coding change: c.964G>A on transcript NM_004184.4 (MANE Select); coding-DNA position 964, G replaced by A.
Protein change: p.Asp322Asn; replaces aspartic acid 322 with asparagine.
Molecular consequence: missense variant.
Genome position (GRCh38, 1-based): chr14:100,342,547, C>T on the plus strand (G>A on the coding strand, the complement: WARS1 is on the minus strand). VCF-style: chr14-100342547-C-T. GRCh37 (hg19) VCF-style: chr14-100808884-C-T.
Other names: c.964G>A, p.Asp322Asn (NM_173701.2); c.841G>A, p.Asp281Asn (NM_213645.2, NM_213646.2); short protein forms D281N, D322N.
Identifiers: ClinVar variation 1180500 (VCV001180500.3), dbSNP rs2139921550, ClinGen allele CA390979928.